The following is an entry in ClinVar:

NM_001035.3(RYR2):c.8299-15T>A

Gene: RYR2 (ryanodine receptor 2; plus strand). Cytogenetic location: 1q43.
Variant type: single nucleotide variant.
Coding change: c.8299-15T>A on transcript NM_001035.3 (MANE Select); 15 bases into the intron before coding-DNA position 8299, T replaced by A.
Molecular consequence: intron variant.
Genome position (GRCh38, 1-based): chr1:237,660,795, T>A. VCF-style: chr1-237660795-T-A. GRCh37 (hg19) VCF-style: chr1-237824095-T-A.
Identifiers: ClinVar variation 3073818 (VCV003073818.1), dbSNP rs2547119699, ClinGen allele CA2825000944.

ClinVar aggregate classification (germline): Uncertain significance (1 of 4 stars; one submission).

Conditions:
Catecholaminergic polymorphic ventricular tachycardia (CVPT). Also called: Catecholamine-induced polymorphic ventricular tachycardia. Identifiers: Orphanet 3286, MedGen C5574922, MONDO:0017990.

Submission:

All of Us Research Program, National Institutes of Health
Classification: Uncertain significance for Catecholaminergic polymorphic ventricular tachycardia. Last evaluated: 2023-10-06. Review status: criteria provided, single submitter. Criteria: ACMG Guidelines, 2015. Collection method: clinical testing. Allele origin: germline. Inheritance: Autosomal dominant inheritance. Observed: 1 variant allele, 1 heterozygote.
Comment: This variant causes a T to A nucleotide substitution at the -15 position of intron 55 of the RYR2 gene. To our knowledge, functional studies have not been reported for this variant. This variant has not been reported in individuals affected with RYR2-related disorders in the literature. This variant has not been identified in the general population by the Genome Aggregation Database (gnomAD). The available evidence is insufficient to determine the role of this variant in disease conclusively. Therefore, this variant is classified as a Variant of Uncertain Significance.

This study involves interpretation of variants in research participants for the purpose of population health screening. Participant phenotype was not available at the time of variant classification. Additional details can be found in publication PMID: 35346344, PMCID: PMC8962531